The following is an entry in ClinVar:

NM_006245.4(PPP2R5D):c.522+4G>A

Gene: PPP2R5D (protein phosphatase 2 regulatory subunit B'delta; plus strand). Cytogenetic location: 6p21.1.
Variant type: single nucleotide variant.
Coding change: c.522+4G>A on transcript NM_006245.4 (MANE Select); 4 bases into the intron after coding-DNA position 522, G replaced by A.
Molecular consequence: intron variant.
Genome position (GRCh38, 1-based): chr6:43,007,114, G>A. VCF-style: chr6-43007114-G-A. GRCh37 (hg19) VCF-style: chr6-42974852-G-A.
Other names: c.69+4G>A (NM_001270476.2); c.426+4G>A (NM_180976.3); c.204+4G>A (NM_180977.3).
Identifiers: ClinVar variation 3650452 (VCV003650452.2).

ClinVar aggregate classification (germline): Uncertain significance (1 of 4 stars; one submission).

gnomAD v4.1: 2 of 1,614,134 alleles (0.00012%); highest among the groups gnomAD compares: Non-Finnish European, 0.00017%; no homozygotes.

Submission:

Labcorp Genetics (formerly Invitae), Labcorp
Classification: Uncertain significance. Last evaluated: 2024-05-20. Review status: criteria provided, single submitter. Criteria: Invitae Variant Classification Sherloc (09022015). Collection method: clinical testing. Allele origin: germline.
Comment: This sequence change falls in intron 4 of the PPP2R5D gene. It does not directly change the encoded amino acid sequence of the PPP2R5D protein. It affects a nucleotide within the consensus splice site. This variant is present in population databases (no rsID available, gnomAD 0.0009%). This variant has not been reported in the literature in individuals affected with PPP2R5D-related conditions. Variants that disrupt the consensus splice site are a relatively common cause of aberrant splicing (PMID: 17576681, 9536098). Algorithms developed to predict the effect of sequence changes on RNA splicing suggest that this variant is not likely to affect RNA splicing. In summary, the available evidence is currently insufficient to determine the role of this variant in disease. Therefore, it has been classified as a Variant of Uncertain Significance.

Literature cited by the submitters: PubMed 17576681; PubMed 9536098.